The following is an entry in ClinVar:

ClinVar aggregate classification (germline): Benign/Likely benign. Review status: criteria provided, multiple submitters, no conflicts (2 of 4 stars). 8 submissions from 7 submitters: Benign (7); Likely benign (1). Last evaluated 2026-02-03.

Conditions:
Developmental and epileptic encephalopathy, 1 (DEE1). Also called: X-linked infantile spasms; West's syndrome; Tonic spasms with clustering, arrest of psychomotor development and hypsarrhythmia on EEG; X-Linked Infantile Spasm Syndrome; OHTAHARA SYNDROME, X-LINKED; INFANTILE SPASM SYNDROME, X-LINKED 1. Identifiers: MedGen C3463992, MONDO:0010632, OMIM 308350. Disease mechanism: loss of function.
Autosomal recessive spinocerebellar ataxia 12. Also called: SPINOCEREBELLAR ATAXIA WITH MENTAL RETARDATION AND EPILEPSY. Identifiers: Orphanet 284282, MedGen C3280452, MONDO:0013687, OMIM 614322.
Developmental and epileptic encephalopathy, 28 (DEE28). Also called: Epileptic encephalopathy, early infantile, 28. Identifiers: Orphanet 442835, MedGen C4015519, MONDO:0014533, OMIM 616211.

Allele frequency attached by ClinVar (database versions not stated): ESP Exome Variant Server 0.06800; gnomAD exomes 0.07108; TOPMed 0.07213; gnomAD 0.07330 and 0.07363; ExAC 0.07435; 1000 Genomes Project 0.09165; 1000 Genomes Project 30x 0.09213.
gnomAD v4.1: 98,234 of 1,614,098 alleles (6.1%); highest among the groups gnomAD compares: African/African-American, 9.8%; 3,391 homozygotes.

Submissions (8):

Labcorp Genetics (formerly Invitae), Labcorp
Classification: Benign for Developmental and epileptic encephalopathy, 1; Autosomal recessive spinocerebellar ataxia 12. Last evaluated: 2026-02-03. Review status: criteria provided, single submitter. Criteria: Invitae Variant Classification Sherloc (09022015). Collection method: clinical testing. Allele origin: germline.

Blueprint Genetics
Classification: Likely benign. Last evaluated: 2024-11-27. Review status: criteria provided, single submitter. Criteria: ACMG Guidelines, 2015. Collection method: clinical testing. Allele origin: germline.

Genome-Nilou Lab
Classification: Benign for Developmental and epileptic encephalopathy, 28. Last evaluated: 2021-12-05. Review status: criteria provided, single submitter. Criteria: ACMG Guidelines, 2015. Collection method: clinical testing. Allele origin: germline. Affected: no.

Genome-Nilou Lab
Classification: Benign for Autosomal recessive spinocerebellar ataxia 12. Last evaluated: 2021-12-05. Review status: criteria provided, single submitter. Criteria: ACMG Guidelines, 2015. Collection method: clinical testing. Allele origin: germline. Affected: no.

Mayo Clinic Laboratories, Mayo Clinic
Classification: Benign. Last evaluated: 2018-09-18. Review status: criteria provided, single submitter. Criteria: ACMG Guidelines, 2015. Collection method: clinical testing. Allele origin: germline. Observed: 68 variant alleles.

GeneDx
Classification: Benign. Last evaluated: 2016-01-05. Review status: criteria provided, single submitter. Criteria: GeneDx Variant Classification (06012015). Collection method: clinical testing. Allele origin: germline. Affected: yes.
Comment: This variant is considered likely benign or benign based on one or more of the following criteria: it is a conservative change, it occurs at a poorly conserved position in the protein, it is predicted to be benign by multiple in silico algorithms, and/or has population frequency not consistent with disease.

Breakthrough Genomics
Classification: Benign. Review status: criteria provided, single submitter. Criteria: ACMG Guidelines, 2015. Collection method: not provided. Allele origin: germline. Inheritance: Autosomal recessive inheritance. Affected: yes.

PreventionGenetics, part of Exact Sciences
Classification: Benign. Review status: criteria provided, single submitter. Criteria: ACMG Guidelines, 2015. Collection method: clinical testing. Allele origin: germline.

NM_016373.4(WWOX):c.844C>G (p.Pro282Ala)

Gene: WWOX (WW domain containing oxidoreductase; plus strand). Cytogenetic location: 16q23.1.
Variant type: single nucleotide variant.
Coding change: c.844C>G on transcript NM_016373.4 (MANE Select); coding-DNA position 844, C replaced by G.
Protein change: p.Pro282Ala; replaces proline 282 with alanine.
Molecular consequence: missense variant.
Genome position (GRCh38, 1-based): chr16:78,432,540, C>G. VCF-style: chr16-78432540-C-G. GRCh37 (hg19) VCF-style: chr16-78466437-C-G.
Other names: c.505C>G, p.Pro169Ala (NM_001291997.2); short protein forms P282A, P169A.
Identifiers: ClinVar variation 260745 (VCV000260745.14), dbSNP rs3764340, ClinGen allele CA8183512.